The following is an entry in ClinVar:

ClinVar aggregate classification (germline): Uncertain significance (1 of 4 stars; one submission).

Submission:

Labcorp Genetics (formerly Invitae), Labcorp
Classification: Uncertain significance. Last evaluated: 2022-10-25. Review status: criteria provided, single submitter. Criteria: Invitae Variant Classification Sherloc (09022015). Collection method: clinical testing. Allele origin: germline.
Comment: In summary, the available evidence is currently insufficient to determine the role of this variant in disease. Therefore, it has been classified as a Variant of Uncertain Significance. Experimental studies and prediction algorithms are not available or were not evaluated, and the functional significance of this variant is currently unknown. This variant has not been reported in the literature in individuals affected with ADAMTS18-related conditions. This variant results in a copy number gain of the genomic region encompassing exon(s) 4-23 of the ADAMTS18 gene. This region includes the termination codon of the gene. This copy number gain extends beyond the assayed region for this gene and therefore may encompass additional genes. As the precise location of this event is unknown, it may be in tandem or it may be located elsewhere in the genome.

NC_000016.9:g.(?_77225119)_(77401620_?)dup

Genes: ADAMTS18 (ADAM metallopeptidase with thrombospondin type 1 motif 18; minus strand), MON1B (MON1 homolog B, secretory trafficking associated; plus strand), SYCE1L (synaptonemal complex central element protein 1 like; plus strand). Cytogenetic location: 16q23.1.
Variant type: Duplication.
Identifiers: ClinVar variation 1025602 (VCV001025602.6).